The following is an entry in ClinVar:

NM_000051.4(ATM):c.8919G>C (p.Arg2973Ser)

Genes: ATM (ATM serine/threonine kinase; plus strand), C11orf65 (chromosome 11 open reading frame 65; minus strand). Cytogenetic location: 11q22.3.
Variant type: single nucleotide variant.
Coding change: c.8919G>C on transcript NM_000051.4 (MANE Select); coding-DNA position 8919, G replaced by C.
Protein change: p.Arg2973Ser; replaces arginine 2973 with serine.
Molecular consequence: missense variant. On other transcripts: intron variant (2).
Genome position (GRCh38, 1-based): chr11:108,365,150, G>C. VCF-style: chr11-108365150-G-C. GRCh37 (hg19) VCF-style: chr11-108235877-G-C.
Other names: c.8919G>C, p.Arg2973Ser (NM_001351834.2); c.640+20770C>G (NM_001330368.2); c.694+20770C>G (NM_001351110.2); short protein forms R2973S.
Identifiers: ClinVar variation 1406121 (VCV001406121.8), dbSNP rs786203613, ClinGen allele CA382529942.

ClinVar aggregate classification (germline): Uncertain significance. Review status: criteria provided, multiple submitters, no conflicts (2 of 4 stars). 2 submissions from 2 submitters: Uncertain significance (2). Last evaluated 2023-07-18.

Conditions:
Familial cancer of breast. Also called: BREAST CANCER, FAMILIAL; Hereditary breast cancer; hereditary breast carcinoma. Identifiers: Orphanet 227535, MedGen C0346153, MONDO:0016419, OMIM 114480. Disease mechanism: loss of function.
Ataxia-telangiectasia syndrome (AT). Also called: Ataxia-telangiectasia; LOUIS-BAR SYNDROME; Ataxia-telangiectasia, complementation group D; AT, COMPLEMENTATION GROUP C; ATAXIA-TELANGIECTASIA, COMPLEMENTATION GROUP A; ATAXIA-TELANGIECTASIA, FRESNO VARIANT. Identifiers: Orphanet 100, MedGen C0004135, MONDO:0008840, OMIM 208900.

Submissions (2):

Baylor Genetics
Classification: Uncertain significance for Familial cancer of breast. Last evaluated: 2023-07-18. Review status: criteria provided, single submitter. Criteria: ACMG Guidelines, 2015. Collection method: clinical testing. Allele origin: unknown.

Labcorp Genetics (formerly Invitae), Labcorp
Classification: Uncertain significance for Ataxia-telangiectasia syndrome. Last evaluated: 2021-09-18. Review status: criteria provided, single submitter. Criteria: Invitae Variant Classification Sherloc (09022015). Collection method: clinical testing. Allele origin: germline.
Comment: This variant has not been reported in the literature in individuals affected with ATM-related conditions. This variant is not present in population databases (ExAC no frequency). This sequence change replaces arginine with serine at codon 2973 of the ATM protein (p.Arg2973Ser). The arginine residue is weakly conserved and there is a moderate physicochemical difference between arginine and serine. Algorithms developed to predict the effect of missense changes on protein structure and function (SIFT, PolyPhen-2, Align-GVGD) all suggest that this variant is likely to be tolerated. In summary, the available evidence is currently insufficient to determine the role of this variant in disease. Therefore, it has been classified as a Variant of Uncertain Significance.